The following is an entry in ClinVar:

NM_005762.3(TRIM28):c.669C>T (p.Ser223=)

Gene: TRIM28 (tripartite motif containing 28; plus strand). Cytogenetic location: 19q13.43.
Variant type: single nucleotide variant.
Coding change: c.669C>T on transcript NM_005762.3 (MANE Select); coding-DNA position 669, C replaced by T.
Protein change: p.Ser223=; no amino-acid change (serine 223 retained).
Molecular consequence: synonymous variant.
Genome position (GRCh38, 1-based): chr19:58,547,458, C>T. VCF-style: chr19-58547458-C-T. GRCh37 (hg19) VCF-style: chr19-59058825-C-T.
Identifiers: ClinVar variation 3027247 (VCV003027247.22), dbSNP rs2514317035, ClinGen allele CA509312563.

ClinVar aggregate classification (germline): Likely benign (1 of 4 stars; one submission).

Submission:

CeGaT Center for Human Genetics Tuebingen
Classification: Likely benign. Last evaluated: 2024-04-01. Review status: criteria provided, single submitter. Criteria: CeGaT Center For Human Genetics Tuebingen Variant Classification Criteria Version 2. Collection method: clinical testing. Allele origin: germline. Affected: yes. Observed: 1 variant allele.
Comment: TRIM28: PM2:Supporting, BP4, BP7